The following is an entry in ClinVar:

ClinVar aggregate classification (germline): Uncertain significance (1 of 4 stars; one submission).

gnomAD v4.1: 25 of 1,441,358 alleles (0.0017%); highest among the groups gnomAD compares: South Asian, 0.017%; no homozygotes.

Submission:

Women's Health and Genetics/Laboratory Corporation of America, LabCorp
Classification: Uncertain significance. Last evaluated: 2024-07-09. Review status: criteria provided, single submitter. Criteria: LabCorp Variant Classification Summary - May 2015. Collection method: clinical testing. Allele origin: germline.
Comment: Variant summary: SHOX c.*18C>A is located in the untranslated mRNA region downstream of the termination codon. The variant allele was found at a frequency of 4.1e-05 in 49058 control chromosomes (gnomAD). The available data on variant occurrences in the general population are insufficient to allow any conclusion about variant significance. To our knowledge, no occurrence of c.*18C>A in individuals affected with Leri-Weill Dyschondrosteosis and no experimental evidence demonstrating its impact on protein function have been reported. No submitters have cited clinical-significance assessments for this variant to ClinVar. Based on the evidence outlined above, the variant was classified as uncertain significance.

NM_000451.4(SHOX):c.*18C>A

Gene: SHOX (SHOX homeobox; plus strand). Cytogenetic location: Xp22.33.
Variant type: single nucleotide variant.
Coding change: c.*18C>A on transcript NM_000451.4 (MANE Select); 18 bases downstream of the stop codon, C replaced by A.
Molecular consequence: 3 prime UTR variant. On other transcripts: intron variant (1).
Genome position (GRCh38, 1-based): chrX:644,654, C>A. VCF-style: chrX-644654-C-A. GRCh37 (hg19) VCF-style: chrX-605389-C-A.
Other names: c.633+3567C>A (NM_006883.2).
Identifiers: ClinVar variation 3339005 (VCV003339005.1).
Genomic context (GRCh38, chrX:644,654, plus strand): 5'-GCGGCTCAAGGCGCGGAAGCACGCGGAGGCCCTGGGGCTCTGACCCGCCGCGCAGCCCCC[C>A]GCGCGCCCGGACTCCCGGGCTCCGCGCACCCCGCCTGCACCGCGCGTCCTGCACTCAACC-3'